The following is an entry in ClinVar:

NM_032043.3(BRIP1):c.1968G>C (p.Lys656Asn)

Gene: BRIP1 (BRCA1 interacting helicase 1; minus strand). Cytogenetic location: 17q23.2.
Variant type: single nucleotide variant.
Coding change: c.1968G>C on transcript NM_032043.3 (MANE Select); coding-DNA position 1968, G replaced by C.
Protein change: p.Lys656Asn; replaces lysine 656 with asparagine.
Molecular consequence: missense variant.
Genome position (GRCh38, 1-based): chr17:61,776,530, C>G on the plus strand (G>C on the coding strand, the complement: BRIP1 is on the minus strand). VCF-style: chr17-61776530-C-G. GRCh37 (hg19) VCF-style: chr17-59853891-C-G.
Other names: short protein forms K656N.
Identifiers: ClinVar variation 1316448 (VCV001316448.2), dbSNP rs1064793415, ClinGen allele CA400478531.

ClinVar aggregate classification (germline): Uncertain significance (1 of 4 stars; one submission).

Submission:

GeneDx
Classification: Uncertain significance. Last evaluated: 2019-10-15. Review status: criteria provided, single submitter. Criteria: GeneDx Variant Classification Process June 2021. Collection method: clinical testing. Allele origin: germline. Affected: yes.
Comment: Not observed in large population cohorts (Lek 2016); In silico analysis, which includes protein predictors and evolutionary conservation, supports that this variant does not alter protein structure/function; Has not been previously published as pathogenic or benign to our knowledge